The following is an entry in ClinVar:

ClinVar aggregate classification (germline): Likely benign (1 of 4 stars; one submission).

gnomAD v4.1: 60 of 1,548,016 alleles (0.0039%); highest among the groups gnomAD compares: South Asian, 0.052%; no homozygotes.

Submission:

CeGaT Center for Human Genetics Tuebingen
Classification: Likely benign. Last evaluated: 2025-10-01. Review status: criteria provided, single submitter. Criteria: CeGaT Center For Human Genetics Tuebingen Variant Classification Criteria Version 2. Collection method: clinical testing. Allele origin: germline. Affected: yes. Observed: 1 variant allele.
Comment: GSX2: BP4, BP7

NM_133267.3(GSX2):c.375G>A (p.Ala125=)

Gene: GSX2 (GS homeobox 2; plus strand). Cytogenetic location: 4q12.
Variant type: single nucleotide variant.
Coding change: c.375G>A on transcript NM_133267.3 (MANE Select); coding-DNA position 375, G replaced by A.
Protein change: p.Ala125=; no amino-acid change (alanine 125 retained).
Molecular consequence: synonymous variant.
Genome position (GRCh38, 1-based): chr4:54,100,719, G>A. VCF-style: chr4-54100719-G-A. GRCh37 (hg19) VCF-style: chr4-54966886-G-A.
Identifiers: ClinVar variation 4533675 (VCV004533675.6).
Genomic context (GRCh38, chr4:54,100,719, plus strand): 5'-TAAGGGCCAGTTCTCTTCGGCTCCTGGGGACGCGCAGTTTTGCCCGCGGGTGAACCATGC[G>A]CATCATCACCACCACCCGCCGCAGCACCACCATCACCATCATCAGCCCCAGCAGCCTGGC-3'
Protein context (NP_573574.2, residues 115-135): DAQFCPRVNH[Ala125=]HHHHHPPQHH